The following is an entry in ClinVar:

NM_001297.5(CNGB1):c.105G>A (p.Ala35=)

Gene: CNGB1 (cyclic nucleotide gated channel subunit beta 1; minus strand). Cytogenetic location: 16q21.
Variant type: single nucleotide variant.
Coding change: c.105G>A on transcript NM_001297.5 (MANE Select); coding-DNA position 105, G replaced by A.
Protein change: p.Ala35=; no amino-acid change (alanine 35 retained).
Molecular consequence: synonymous variant.
Genome position (GRCh38, 1-based): chr16:57,967,182, C>T on the plus strand (G>A on the coding strand, the complement: CNGB1 is on the minus strand). VCF-style: chr16-57967182-C-T. GRCh37 (hg19) VCF-style: chr16-58001086-C-T.
Other names: c.105G>A, p.Ala35= (NM_001135639.2, NM_001286130.2).
Identifiers: ClinVar variation 320114 (VCV000320114.15), dbSNP rs61997250, ClinGen allele CA8084003.

ClinVar aggregate classification (germline): Benign/Likely benign. Review status: criteria provided, multiple submitters, no conflicts (2 of 4 stars). 4 submissions from 4 submitters: Benign (2); Likely benign (2). Last evaluated 2026-02-04.

Conditions:
Retinitis pigmentosa (RP). Identifiers: Orphanet 791, MedGen C0035334, MeSH D012174, MONDO:0019200, OMIM 268000. Inheritance: Autosomal dominant, autosomal recessive and X linked inheritance.
Retinal dystrophy. Also called: Inherited retinal dystrophy. Identifiers: Orphanet 71862, MedGen C0854723, MeSH D058499, MONDO:0019118, HP:0000556.

Allele frequency attached by ClinVar (database versions not stated): 1000 Genomes Project 30x 0.00890; gnomAD 0.01885 and 0.01932; TOPMed 0.01887; gnomAD exomes 0.01998 and 0.02673; ExAC 0.02041; ESP Exome Variant Server 0.02218; 1000 Genomes Project 0.00819.
gnomAD v4.1: 41,901 of 1,614,156 alleles (2.6%); highest among the groups gnomAD compares: Non-Finnish European, 3.1%; 609 homozygotes.

Submissions (4):

Labcorp Genetics (formerly Invitae), Labcorp
Classification: Benign. Last evaluated: 2026-02-04. Review status: criteria provided, single submitter. Criteria: Invitae Variant Classification Sherloc (09022015). Collection method: clinical testing. Allele origin: germline.

Dept Of Ophthalmology, Nagoya University
Classification: Benign for Retinal dystrophy. Last evaluated: 2023-10-01. Review status: criteria provided, single submitter. Criteria: Submitter's publication. Collection method: research. Allele origin: germline. Affected: yes.

Illumina Laboratory Services, Illumina
Classification: Likely benign for Retinitis pigmentosa. Last evaluated: 2018-01-13. Review status: criteria provided, single submitter. Criteria: ICSL Variant Classification Criteria 13 December 2019. Collection method: clinical testing. Allele origin: germline.
Comment: This variant was observed in the ICSL laboratory as part of a predisposition screen in an ostensibly healthy population. It had not been previously curated by ICSL or reported in the Human Gene Mutation Database (HGMD: prior to June 1st, 2018), and was therefore a candidate for classification through an automated scoring system. Utilizing variant allele frequency, disease prevalence and penetrance estimates, and inheritance mode, an automated score was calculated to assess if this variant is too frequent to cause the disease. Based on the score and internal cut-off values, a variant classified as likely benign is not then subjected to further curation. The score for this variant resulted in a classification of likely benign for this disease.

Breakthrough Genomics
Classification: Likely benign. Review status: criteria provided, single submitter. Criteria: ACMG Guidelines, 2015. Collection method: not provided. Allele origin: germline. Inheritance: Autosomal recessive inheritance. Affected: yes.